The following is an entry in ClinVar:

NM_001347721.2(DYRK1A):c.1466C>T (p.Ala489Val)

Gene: DYRK1A (dual specificity tyrosine phosphorylation regulated kinase 1A; plus strand). Cytogenetic location: 21q22.13.
Variant type: single nucleotide variant.
Coding change: c.1466C>T on transcript NM_001347721.2 (MANE Select); coding-DNA position 1466, C replaced by T.
Protein change: p.Ala489Val; replaces alanine 489 with valine.
Molecular consequence: missense variant.
Genome position (GRCh38, 1-based): chr21:37,505,536, C>T. VCF-style: chr21-37505536-C-T. GRCh37 (hg19) VCF-style: chr21-38877839-C-T.
Other names: c.1466C>T, p.Ala489Val (NM_001347722.2, NM_130436.2); c.1379C>T, p.Ala460Val (NM_001347723.2); c.1493C>T, p.Ala498Val (NM_001396.5, NM_101395.2, NM_130438.2); short protein forms A460V, A489V, A498V.
Identifiers: ClinVar variation 4685366 (VCV004685366.1).

ClinVar aggregate classification (germline): Uncertain significance (1 of 4 stars; one submission).

Submission:

GeneDx
Classification: Uncertain significance. Last evaluated: 2025-07-07. Review status: criteria provided, single submitter. Criteria: GeneDx Variant Classification Process June 2021. Collection method: clinical testing. Allele origin: germline. Affected: yes.
Comment: Not observed at significant frequency in large population cohorts (gnomAD); In silico analysis supports that this missense variant has a deleterious effect on protein structure/function; Has not been previously published as pathogenic or benign to our knowledge